The following is an entry in ClinVar:

ClinVar aggregate classification (germline): Uncertain significance. Review status: criteria provided, multiple submitters, no conflicts (2 of 4 stars). 4 submissions from 4 submitters: Uncertain significance (4). Last evaluated 2025-06-29.

Conditions:
Inborn genetic diseases. Identifiers: MedGen C0950123, MeSH D030342.
Majeed syndrome (MJDS). Also called: LPIN2-Related Majeed Syndrome; CHRONIC RECURRENT MULTIFOCAL OSTEOMYELITIS 1, WITH CONGENITAL DYSERYTHROPOIETIC ANEMIA, WITH OR WITHOUT NEUTROPHILIC DERMATOSIS. Identifiers: Orphanet 77297, MedGen C1864997, MONDO:0012316, OMIM 609628.

Allele frequency attached by ClinVar (database versions not stated): gnomAD exomes 0.00001; ExAC 0.00003; gnomAD 0.00003; TOPMed 0.00003; ESP Exome Variant Server 0.00008.
gnomAD v4.1: 16 of 1,613,824 alleles (0.00099%); highest among the groups gnomAD compares: African/African-American, 0.013%; no homozygotes.

Submissions (4):

Ambry Genetics
Classification: Uncertain significance for Inborn genetic diseases. Last evaluated: 2025-06-29. Review status: criteria provided, single submitter. Criteria: Ambry Variant Classification Scheme 2023. Collection method: clinical testing. Allele origin: germline.

Revvity Omics, Revvity
Classification: Uncertain significance for Majeed syndrome. Last evaluated: 2024-12-20. Review status: criteria provided, single submitter. Criteria: ACMG Guidelines, 2015. Collection method: clinical testing. Allele origin: germline.

Labcorp Genetics (formerly Invitae), Labcorp
Classification: Uncertain significance for Majeed syndrome. Last evaluated: 2024-04-08. Review status: criteria provided, single submitter. Criteria: Invitae Variant Classification Sherloc (09022015). Collection method: clinical testing. Allele origin: germline.
Comment: This sequence change replaces arginine, which is basic and polar, with tryptophan, which is neutral and slightly polar, at codon 760 of the LPIN2 protein (p.Arg760Trp). This variant is present in population databases (rs371146662, gnomAD 0.01%). This variant has not been reported in the literature in individuals affected with LPIN2-related conditions. ClinVar contains an entry for this variant (Variation ID: 1062928). Advanced modeling of protein sequence and biophysical properties (such as structural, functional, and spatial information, amino acid conservation, physicochemical variation, residue mobility, and thermodynamic stability) performed at Invitae indicates that this missense variant is expected to disrupt LPIN2 protein function with a positive predictive value of 80%. In summary, the available evidence is currently insufficient to determine the role of this variant in disease. Therefore, it has been classified as a Variant of Uncertain Significance.

Blueprint Genetics
Classification: Uncertain significance. Last evaluated: 2023-10-04. Review status: criteria provided, single submitter. Criteria: ACMG Guidelines, 2015. Collection method: clinical testing. Allele origin: germline.

NM_001375808.2(LPIN2):c.2278C>T (p.Arg760Trp)

Gene: LPIN2 (lipin 2; minus strand). Cytogenetic location: 18p11.31.
Variant type: single nucleotide variant.
Coding change: c.2278C>T on transcript NM_001375808.2 (MANE Select); coding-DNA position 2278, C replaced by T.
Protein change: p.Arg760Trp; replaces arginine 760 with tryptophan.
Molecular consequence: missense variant.
Genome position (GRCh38, 1-based): chr18:2,922,096, G>A on the plus strand (C>T on the coding strand, the complement: LPIN2 is on the minus strand). VCF-style: chr18-2922096-G-A. GRCh37 (hg19) VCF-style: chr18-2922094-G-A.
Other names: c.2278C>T, p.Arg760Trp (NM_001375809.1, NM_014646.2); short protein forms R760W.
Identifiers: ClinVar variation 1062928 (VCV001062928.11), dbSNP rs371146662, ClinGen allele CA8872789.
Genomic context (GRCh38, chr18:2,922,096, plus strand): 5'-CGGAGAGGTACCTGTGGAAGGCGGAGAACAAGCTGCTGGGGGACAGCATCAGGGGGCCCC[G>A]GGGCAAGATTGTGCCCTTGTCATTGACCCAGTGCAGGTAGCCACGGGTCATGTCGGCCAT-3'
Protein context (NP_001362737.1, residues 750-770): WVNDKGTILP[Arg760Trp]GPLMLSPSSL